The following is an entry in ClinVar:

ClinVar aggregate classification (germline): Uncertain significance (1 of 4 stars; one submission).

Conditions:
Emery-Dreifuss muscular dystrophy 5, autosomal dominant (EDMD5). Also called: EMERY-DREIFUSS MUSCULAR DYSTROPHY 5. Identifiers: Orphanet 261, MedGen C2751805, MONDO:0013072, OMIM 612999.

Allele frequency attached by ClinVar (database versions not stated): gnomAD exomes below 0.00001; ExAC 0.00001.
gnomAD v4.1: 1 of 1,613,966 alleles (0.000062%); highest among the groups gnomAD compares: Admixed American, 0.0017%; no homozygotes.

Submission:

Labcorp Genetics (formerly Invitae), Labcorp
Classification: Uncertain significance for Emery-Dreifuss muscular dystrophy 5, autosomal dominant. Last evaluated: 2023-05-29. Review status: criteria provided, single submitter. Criteria: Invitae Variant Classification Sherloc (09022015). Collection method: clinical testing. Allele origin: germline.
Comment: In summary, the available evidence is currently insufficient to determine the role of this variant in disease. Therefore, it has been classified as a Variant of Uncertain Significance. An algorithm developed to predict the effect of missense changes on protein structure and function (PolyPhen-2) suggests that this variant is likely to be disruptive. This variant has not been reported in the literature in individuals affected with SYNE2-related conditions. This variant is present in population databases (rs750851350, gnomAD 0.003%). This sequence change replaces isoleucine, which is neutral and non-polar, with phenylalanine, which is neutral and non-polar, at codon 3675 of the SYNE2 protein (p.Ile3675Phe).

NM_182914.3(SYNE2):c.11023A>T (p.Ile3675Phe)

Gene: SYNE2 (spectrin repeat containing nuclear envelope protein 2; plus strand). Cytogenetic location: 14q23.2.
Variant type: single nucleotide variant.
Coding change: c.11023A>T on transcript NM_182914.3 (MANE Select); coding-DNA position 11023, A replaced by T.
Protein change: p.Ile3675Phe; replaces isoleucine 3675 with phenylalanine.
Molecular consequence: missense variant.
Genome position (GRCh38, 1-based): chr14:64,078,466, A>T. VCF-style: chr14-64078466-A-T. GRCh37 (hg19) VCF-style: chr14-64545184-A-T.
Other names: c.11023A>T, p.Ile3675Phe (NM_015180.6); short protein forms I3675F.
Identifiers: ClinVar variation 3001115 (VCV003001115.3), dbSNP rs750851350, ClinGen allele CA7221685.